The following is an entry in ClinVar:

ClinVar aggregate classification (germline): Benign/Likely benign. Review status: criteria provided, multiple submitters, no conflicts (2 of 4 stars). 3 submissions from 3 submitters: Benign (1); Likely benign (2). Last evaluated 2025-08-07.

Conditions:
Breast-ovarian cancer, familial, susceptibility to, 3. Also called: RAD51C-Related Breast/Ovarian Cancer. Identifiers: Orphanet 145, MedGen C3150659, MONDO:0013253, OMIM 613399.
Fanconi anemia complementation group O. Also called: RAD51C-Related Fanconi Anemia. Identifiers: Orphanet 84, MedGen C3150653, MONDO:0013248, OMIM 613390.
Hereditary cancer-predisposing syndrome. Also called: Tumor predisposition; Hereditary Cancer Syndrome; Neoplastic Syndromes, Hereditary; Hereditary neoplastic syndrome. Identifiers: Orphanet 140162, MedGen C0027672, MeSH D009386, MONDO:0015356.

gnomAD v4.1: 1 of 1,614,224 alleles (0.000062%); no homozygotes.

Submissions (3):

Labcorp Genetics (formerly Invitae), Labcorp
Classification: Likely benign for Fanconi anemia complementation group O. Last evaluated: 2025-08-07. Review status: criteria provided, single submitter. Criteria: Invitae Variant Classification Sherloc (09022015). Collection method: clinical testing. Allele origin: germline.

Myriad Genetics, Inc.
Classification: Benign for Breast-ovarian cancer, familial, susceptibility to, 3. Last evaluated: 2025-02-14. Review status: criteria provided, single submitter. Criteria: Myriad Autosomal Dominant, Autosomal Recessive and X-Linked Classification Criteria (2023). Collection method: clinical testing. Allele origin: unknown.
Comment: This variant is considered benign. This variant is a silent/synonymous amino acid change and it is not expected to impact splicing.

Ambry Genetics
Classification: Likely benign for Hereditary cancer-predisposing syndrome. Last evaluated: 2019-12-06. Review status: criteria provided, single submitter. Criteria: Ambry Variant Classification Scheme 2023. Collection method: clinical testing. Allele origin: germline.

NM_058216.3(RAD51C):c.132C>T (p.Ser44=)

Gene: RAD51C (RAD51 paralog C; plus strand). Cytogenetic location: 17q22.
Variant type: single nucleotide variant.
Coding change: c.132C>T on transcript NM_058216.3 (MANE Select); coding-DNA position 132, C replaced by T.
Protein change: p.Ser44=; no amino-acid change (serine 44 retained).
Molecular consequence: synonymous variant. On other transcripts: non-coding transcript variant (1).
Genome position (GRCh38, 1-based): chr17:58,692,775, C>T. VCF-style: chr17-58692775-C-T. GRCh37 (hg19) VCF-style: chr17-56770136-C-T.
Other names: c.132C>T, p.Ser44= (NM_002876.4).
Identifiers: ClinVar variation 759783 (VCV000759783.12), dbSNP rs1027059784, ClinGen allele CA501074397.